The following is an entry in ClinVar:

NM_001844.5(COL2A1):c.310G>A (p.Gly104Arg)

Gene: COL2A1 (collagen type II alpha 1 chain; minus strand). Cytogenetic location: 12q13.11.
Variant type: single nucleotide variant.
Coding change: c.310G>A on transcript NM_001844.5 (MANE Select); coding-DNA position 310, G replaced by A.
Protein change: p.Gly104Arg; replaces glycine 104 with arginine.
Molecular consequence: missense variant.
Genome position (GRCh38, 1-based): chr12:47,998,201, C>T on the plus strand (G>A on the coding strand, the complement: COL2A1 is on the minus strand). VCF-style: chr12-47998201-C-T. GRCh37 (hg19) VCF-style: chr12-48391984-C-T.
Other names: c.103G>A, p.Gly35Arg (NM_033150.3); short protein forms G104R, G35R.
Identifiers: ClinVar variation 424423 (VCV000424423.10), dbSNP rs764210489, ClinGen allele CA6536019.

ClinVar aggregate classification (germline): Uncertain significance. Review status: criteria provided, multiple submitters, no conflicts (2 of 4 stars). 2 submissions from 2 submitters: Uncertain significance (2). Last evaluated 2025-11-28.

Allele frequency attached by ClinVar (database versions not stated): ExAC 0.00001; gnomAD exomes 0.00001; TOPMed 0.00001; gnomAD 0.00002.
gnomAD v4.1: 13 of 1,613,984 alleles (0.00081%); highest among the groups gnomAD compares: Non-Finnish European, 0.0011%; no homozygotes.

Submissions (2):

Labcorp Genetics (formerly Invitae), Labcorp
Classification: Uncertain significance. Last evaluated: 2025-11-28. Review status: criteria provided, single submitter. Criteria: Invitae Variant Classification Sherloc (09022015). Collection method: clinical testing. Allele origin: germline.
Comment: This sequence change replaces glycine, which is neutral and non-polar, with arginine, which is basic and polar, at codon 104 of the COL2A1 protein (p.Gly104Arg). This variant is present in population databases (rs764210489, gnomAD 0.003%). This variant has not been reported in the literature in individuals affected with COL2A1-related conditions. ClinVar contains an entry for this variant (Variation ID: 424423). Experimental studies and prediction algorithms are not available or were not evaluated, and the functional significance of this variant is currently unknown. In summary, the available evidence is currently insufficient to determine the role of this variant in disease. Therefore, it has been classified as a Variant of Uncertain Significance.

GeneDx
Classification: Uncertain significance. Last evaluated: 2025-04-25. Review status: criteria provided, single submitter. Criteria: GeneDx Variant Classification Process June 2021. Collection method: clinical testing. Allele origin: germline. Affected: yes.
Comment: In silico analysis indicates that this missense variant does not alter protein structure/function; Has not been previously published as pathogenic or benign to our knowledge; Not located in the triple helical region, where the majority of pathogenic missense variants occur (HGMD)